The following is an entry in ClinVar:

NM_030665.4(RAI1):c.284C>T (p.Pro95Leu)

Gene: RAI1 (retinoic acid induced 1; plus strand). Cytogenetic location: 17p11.2.
Variant type: single nucleotide variant.
Coding change: c.284C>T on transcript NM_030665.4 (MANE Select); coding-DNA position 284, C replaced by T.
Protein change: p.Pro95Leu; replaces proline 95 with leucine.
Molecular consequence: missense variant.
Genome position (GRCh38, 1-based): chr17:17,793,232, C>T. VCF-style: chr17-17793232-C-T. GRCh37 (hg19) VCF-style: chr17-17696546-C-T.
Other names: short protein forms P95L.
Identifiers: ClinVar variation 1286518 (VCV001286518.12), dbSNP rs370882080, ClinGen allele CA8418092.

ClinVar aggregate classification (germline): Benign/Likely benign. Review status: criteria provided, multiple submitters, no conflicts (2 of 4 stars). 5 submissions from 5 submitters: Benign (3); Likely benign (1). 1 of the submissions does not count toward it. Last evaluated 2026-08-01.

Conditions:
RAI1-related disorder. Also called: RAI1-related condition.
Inborn genetic diseases. Identifiers: MedGen C0950123, MeSH D030342.

Allele frequency attached by ClinVar (database versions not stated): gnomAD exomes 0.00004 and 0.00011; gnomAD 0.00006 and 0.00013; ExAC 0.00012; TOPMed 0.00014; 1000 Genomes Project 0.00060; 1000 Genomes Project 30x 0.00062.

Submissions (5):

CeGaT Center for Human Genetics Tuebingen
Classification: Likely benign. Last evaluated: 2026-08-01. Review status: criteria provided, single submitter. Criteria: CeGaT Center For Human Genetics Tuebingen Variant Classification Criteria Version 2. Collection method: clinical testing. Allele origin: germline. Affected: yes. Observed: 1 variant allele.
Comment: RAI1: BS1

Labcorp Genetics (formerly Invitae), Labcorp
Classification: Benign. Last evaluated: 2026-01-13. Review status: criteria provided, single submitter. Criteria: Invitae Variant Classification Sherloc (09022015). Collection method: clinical testing. Allele origin: germline.

GeneDx
Classification: Benign. Last evaluated: 2020-04-24. Review status: criteria provided, single submitter. Criteria: GeneDx Variant Classification Process June 2021. Collection method: clinical testing. Allele origin: germline. Affected: yes.

Ambry Genetics
Classification: Benign for Inborn genetic diseases. Last evaluated: 2018-12-03. Review status: criteria provided, single submitter. Criteria: Ambry Variant Classification Scheme 2023. Collection method: clinical testing. Allele origin: germline.

PreventionGenetics, part of Exact Sciences
Classification: Likely benign for RAI1-related condition. Last evaluated: 2022-03-17. Review status: no assertion criteria provided. Collection method: clinical testing. Allele origin: germline. Not counted in ClinVar's aggregate classification.
Comment: This variant is classified as likely benign based on ACMG/AMP sequence variant interpretation guidelines (Richards et al. 2015 PMID: 25741868, with internal and published modifications).